The following is an entry in ClinVar:

ClinVar aggregate classification (germline): Uncertain significance (1 of 4 stars; one submission).

Conditions:
LZTR1-related disorder. Also called: LZTR1-related disorders; LZTR1-related condition.

Submission:

PreventionGenetics, part of Exact Sciences
Classification: Uncertain significance for LZTR1-related condition. Last evaluated: 2026-04-21. Review status: criteria provided, single submitter. Criteria: ACMG Guidelines, 2015. Collection method: clinical testing. Allele origin: germline.
Comment: The LZTR1 c.464A>G variant is predicted to result in the amino acid substitution p.Tyr155Cys. To our knowledge, this variant has not been reported in the literature or in a large population database (gnomAD), indicating this variant is rare. At this time, the clinical significance of this variant is uncertain due to the absence of conclusive functional and genetic evidence.

NM_006767.4(LZTR1):c.464A>G (p.Tyr155Cys)

Gene: LZTR1 (leucine zipper like post translational regulator 1; plus strand). Cytogenetic location: 22q11.21.
Variant type: single nucleotide variant.
Coding change: c.464A>G on transcript NM_006767.4 (MANE Select); coding-DNA position 464, A replaced by G.
Protein change: p.Tyr155Cys; replaces tyrosine 155 with cysteine.
Molecular consequence: missense variant.
Genome position (GRCh38, 1-based): chr22:20,988,073, A>G. VCF-style: chr22-20988073-A-G. GRCh37 (hg19) VCF-style: chr22-21342362-A-G.
Other names: short protein forms Y155C.
Identifiers: ClinVar variation 4996673 (VCV004996673.1).